The following is an entry in ClinVar:

ClinVar aggregate classification (germline): Uncertain significance (1 of 4 stars; one submission).

Conditions:
Very long chain acyl-CoA dehydrogenase deficiency (ACADVLD). Also called: VLCAD Deficiency; Very Long-Chain Acyl-Coenzyme A Dehydrogenase Deficiency. Identifiers: Orphanet 26793, MedGen C3887523, MONDO:0008723, OMIM 201475.

Submission:

Labcorp Genetics (formerly Invitae), Labcorp
Classification: Uncertain significance for Very long chain acyl-CoA dehydrogenase deficiency. Last evaluated: 2021-10-03. Review status: criteria provided, single submitter. Criteria: Invitae Variant Classification Sherloc (09022015). Collection method: clinical testing. Allele origin: germline.
Comment: This sequence change replaces phenylalanine with leucine at codon 262 of the ACADVL protein (p.Phe262Leu). The phenylalanine residue is highly conserved and there is a small physicochemical difference between phenylalanine and leucine. Algorithms developed to predict the effect of missense changes on protein structure and function are either unavailable or do not agree on the potential impact of this missense change (SIFT: "Deleterious"; PolyPhen-2: "Probably Damaging"; Align-GVGD: "Class C15"). This variant has not been reported in the literature in individuals affected with ACADVL-related conditions. This variant is not present in population databases (ExAC no frequency). In summary, the available evidence is currently insufficient to determine the role of this variant in disease. Therefore, it has been classified as a Variant of Uncertain Significance.

NM_000018.4(ACADVL):c.786T>G (p.Phe262Leu)

Gene: ACADVL (acyl-CoA dehydrogenase very long chain; plus strand). Cytogenetic location: 17p13.1.
Variant type: single nucleotide variant.
Coding change: c.786T>G on transcript NM_000018.4 (MANE Select); coding-DNA position 786, T replaced by G.
Protein change: p.Phe262Leu; replaces phenylalanine 262 with leucine.
Molecular consequence: missense variant.
Genome position (GRCh38, 1-based): chr17:7,222,210, T>G. VCF-style: chr17-7222210-T-G. GRCh37 (hg19) VCF-style: chr17-7125529-T-G.
Other names: c.720T>G, p.Phe240Leu (NM_001033859.3); c.855T>G, p.Phe285Leu (NM_001270447.2); c.558T>G, p.Phe186Leu (NM_001270448.2); short protein forms F240L, F186L, F262L, F285L.
Identifiers: ClinVar variation 1476681 (VCV001476681.6), dbSNP rs777747704, ClinGen allele CA397723688.
Genomic context (GRCh38, chr17:7,222,210, plus strand): 5'-CGCCCTGAATATCCCATTCTTCCACAGTAATGGGGGCCTAGCAGACATCTTCACGGTCTT[T>G]GCCAAGACACCAGTTACAGATCCAGCCACAGGAGCCGTGAAGGAGAAGATCACAGCTTTT-3'
Protein context (NP_000009.1, residues 252-272): NGGLADIFTV[Phe262Leu]AKTPVTDPAT